The following is an entry in ClinVar:

ClinVar aggregate classification (germline): Uncertain significance. Review status: criteria provided, multiple submitters, no conflicts (2 of 4 stars). 2 submissions from 2 submitters: Uncertain significance (2). Last evaluated 2025-11-24.

Conditions:
Inborn genetic diseases. Identifiers: MedGen C0950123, MeSH D030342.
Pulmonary fibrosis and/or bone marrow failure, Telomere-related, 3. Also called: PULMONARY FIBROSIS AND/OR BONE MARROW FAILURE SYNDROME, TELOMERE-RELATED, 3. Identifiers: Orphanet 2032, MedGen C4225346, MONDO:0014613, OMIM 616373.
Dyskeratosis congenita, autosomal recessive 5 (DKCB5). Identifiers: MedGen C3554656, MONDO:0014076, OMIM 615190.

gnomAD v4.1: 8 of 1,580,582 alleles (0.00051%); highest among the groups gnomAD compares: East Asian, 0.0023%; no homozygotes.

Submissions (2):

Labcorp Genetics (formerly Invitae), Labcorp
Classification: Uncertain significance for Dyskeratosis congenita, autosomal recessive 5; Pulmonary fibrosis and/or bone marrow failure, Telomere-related, 3. Last evaluated: 2025-11-24. Review status: criteria provided, single submitter. Criteria: Invitae Variant Classification Sherloc (09022015). Collection method: clinical testing. Allele origin: germline.
Comment: This sequence change replaces alanine, which is neutral and non-polar, with valine, which is neutral and non-polar, at codon 837 of the RTEL1 protein (p.Ala837Val). The frequency data for this variant in the population databases is considered unreliable, as metrics indicate poor data quality at this position in the gnomAD database. This variant has not been reported in the literature in individuals affected with RTEL1-related conditions. ClinVar contains an entry for this variant (Variation ID: 2196049). An algorithm developed to predict the effect of missense changes on protein structure and function (PolyPhen-2) suggests that this variant is likely to be disruptive. In summary, the available evidence is currently insufficient to determine the role of this variant in disease. Therefore, it has been classified as a Variant of Uncertain Significance.

Ambry Genetics
Classification: Uncertain significance for Inborn genetic diseases. Last evaluated: 2024-12-14. Review status: criteria provided, single submitter. Criteria: Ambry Variant Classification Scheme 2023. Collection method: clinical testing. Allele origin: germline.
Comment: The p.A837V variant (also known as c.2510C>T), located in coding exon 26 of the RTEL1 gene, results from a C to T substitution at nucleotide position 2510. The alanine at codon 837 is replaced by valine, an amino acid with similar properties. This amino acid position is conserved. In addition, this alteration is predicted to be tolerated by in silico analysis. Based on the available evidence, the clinical significance of this variant remains unclear.

NM_001283009.2(RTEL1):c.2510C>T (p.Ala837Val)

Genes: RTEL1 (regulator of telomere elongation helicase 1; plus strand), RTEL1-TNFRSF6B (RTEL1-TNFRSF6B readthrough (NMD candidate); plus strand). Cytogenetic location: 20q13.33.
Variant type: single nucleotide variant.
Coding change: c.2510C>T on transcript NM_001283009.2 (MANE Select); coding-DNA position 2510, C replaced by T.
Protein change: p.Ala837Val; replaces alanine 837 with valine.
Molecular consequence: missense variant. On other transcripts: non-coding transcript variant (1).
Genome position (GRCh38, 1-based): chr20:63,690,901, C>T. VCF-style: chr20-63690901-C-T. GRCh37 (hg19) VCF-style: chr20-62322254-C-T.
Other names: c.1841C>T, p.Ala614Val (NM_001283010.1); c.2510C>T, p.Ala837Val (NM_016434.4); c.2582C>T, p.Ala861Val (NM_032957.5); short protein forms A614V, A837V, A861V.
Identifiers: ClinVar variation 2196049 (VCV002196049.4), dbSNP rs1193113144, ClinGen allele CA409681701.